The following is an entry in ClinVar:

NM_198578.4(LRRK2):c.6110-8A>G

Gene: LRRK2 (leucine rich repeat kinase 2; plus strand). Cytogenetic location: 12q12.
Variant type: single nucleotide variant.
Coding change: c.6110-8A>G on transcript NM_198578.4 (MANE Select); 8 bases into the intron before coding-DNA position 6110, A replaced by G.
Molecular consequence: intron variant.
Genome position (GRCh38, 1-based): chr12:40,346,745, A>G. VCF-style: chr12-40346745-A-G. GRCh37 (hg19) VCF-style: chr12-40740547-A-G.
Other names: c.6110-8A>G (NM_198578.3).
Identifiers: ClinVar variation 2782568 (VCV002782568.5), dbSNP rs372123443, ClinGen allele CA6514615.

ClinVar aggregate classification (germline): Likely benign. Review status: criteria provided, single submitter (1 of 4 stars). 2 submissions from 2 submitters: Likely benign (1). 1 of the submissions does not count toward it. Last evaluated 2023-07-06.

Conditions:
LRRK2-related disorder. Also called: LRRK2-related condition.
Autosomal dominant Parkinson disease 8. Also called: LRRK2-Related Parkinson Disease; Parkinson disease 8; Parkinson disease 8, susceptibility to. Identifiers: Orphanet 411602, MedGen C1846862, MONDO:0011764, OMIM 607060.

Allele frequency attached by ClinVar (database versions not stated): ExAC 0.00002; TOPMed 0.00003; gnomAD 0.00004; gnomAD exomes 0.00006; ESP Exome Variant Server 0.00015.
gnomAD v4.1: 86 of 1,613,328 alleles (0.0053%); highest among the groups gnomAD compares: Non-Finnish European, 0.007%; no homozygotes.

Submissions (2):

Labcorp Genetics (formerly Invitae), Labcorp
Classification: Likely benign for Autosomal dominant Parkinson disease 8. Last evaluated: 2023-07-06. Review status: criteria provided, single submitter. Criteria: Invitae Variant Classification Sherloc (09022015). Collection method: clinical testing. Allele origin: germline.

PreventionGenetics, part of Exact Sciences
Classification: Likely benign for LRRK2-related condition. Last evaluated: 2019-04-15. Review status: no assertion criteria provided. Collection method: clinical testing. Allele origin: germline. Not counted in ClinVar's aggregate classification.
Comment: This variant is classified as likely benign based on ACMG/AMP sequence variant interpretation guidelines (Richards et al. 2015 PMID: 25741868, with internal and published modifications).